The following is an entry in ClinVar:

ClinVar aggregate classification (germline): Uncertain significance (1 of 4 stars; one submission).

Submission:

Labcorp Genetics (formerly Invitae), Labcorp
Classification: Uncertain significance. Last evaluated: 2024-11-14. Review status: criteria provided, single submitter. Criteria: Invitae Variant Classification Sherloc (09022015). Collection method: clinical testing. Allele origin: germline.
Comment: This sequence change replaces leucine, which is neutral and non-polar, with phenylalanine, which is neutral and non-polar, at codon 835 of the TAF1 protein (p.Leu835Phe). This variant is not present in population databases (gnomAD no frequency). This variant has not been reported in the literature in individuals affected with TAF1-related conditions. Invitae Evidence Modeling of protein sequence and biophysical properties (such as structural, functional, and spatial information, amino acid conservation, physicochemical variation, residue mobility, and thermodynamic stability) indicates that this missense variant is expected to disrupt TAF1 protein function with a positive predictive value of 80%. In summary, the available evidence is currently insufficient to determine the role of this variant in disease. Therefore, it has been classified as a Variant of Uncertain Significance.

NM_004606.5(TAF1):c.2443C>T (p.Leu815Phe)

Gene: TAF1 (TATA-box binding protein associated factor 1; plus strand). Cytogenetic location: Xq13.1.
Variant type: single nucleotide variant.
Coding change: c.2443C>T on transcript NM_004606.5 (MANE Select); coding-DNA position 2443, C replaced by T.
Protein change: p.Leu815Phe; replaces leucine 815 with phenylalanine.
Molecular consequence: missense variant. On other transcripts: non-coding transcript variant (9).
Genome position (GRCh38, 1-based): chrX:71,388,252, C>T. VCF-style: chrX-71388252-C-T. GRCh37 (hg19) VCF-style: chrX-70608102-C-T.
Other names: c.2443C>T, p.Leu815Phe (NM_001286074.2); c.2380C>T, p.Leu794Phe (NM_138923.4); short protein forms L815F, L794F.
Identifiers: ClinVar variation 3719782 (VCV003719782.2).